The following is an entry in ClinVar:

NM_001382391.1(CSPP1):c.2903C>A (p.Ser968Tyr)

Gene: CSPP1 (centrosome and spindle pole associated protein 1; plus strand). Cytogenetic location: 8q13.2.
Variant type: single nucleotide variant.
Coding change: c.2903C>A on transcript NM_001382391.1 (MANE Select); coding-DNA position 2903, C replaced by A.
Protein change: p.Ser968Tyr; replaces serine 968 with tyrosine.
Molecular consequence: missense variant.
Genome position (GRCh38, 1-based): chr8:67,172,490, C>A. VCF-style: chr8-67172490-C-A. GRCh37 (hg19) VCF-style: chr8-68084725-C-A.
Other names: c.1853C>A, p.Ser618Tyr (NM_001291339.2); c.2822C>A, p.Ser941Tyr (NM_001363131.2); c.2708C>A, p.Ser903Tyr (NM_001363132.2); c.2627C>A, p.Ser876Tyr (NM_001363133.2); c.2969C>A, p.Ser990Tyr (NM_001364869.1); c.2789C>A, p.Ser930Tyr (NM_001364870.1); c.2888C>A, p.Ser963Tyr (NM_024790.7); short protein forms S618Y, S876Y, S903Y, S930Y, S941Y, S963Y, S968Y, S990Y.
Identifiers: ClinVar variation 3384230 (VCV003384230.1).
Genomic context (GRCh38, chr8:67,172,490, plus strand): 5'-ATCCCATGGATATATTTGATATGGCTAGACATCGGTTGCAAGCTCCTGTCAGAAGACAGT[C>A]CCCTAAGGGCTTAGACGCTGCCACTTTTCAGAATGTTCATGATTTTAATGAGCTGAAAGA-3'
Protein context (NP_001369320.1, residues 958-978): HRLQAPVRRQ[Ser968Tyr]PKGLDAATFQ

ClinVar aggregate classification (germline): Uncertain significance (1 of 4 stars; one submission).

Submission:

GeneDx
Classification: Uncertain significance. Last evaluated: 2024-06-06. Review status: criteria provided, single submitter. Criteria: GeneDx Variant Classification Process June 2021. Collection method: clinical testing. Allele origin: germline. Affected: yes.
Comment: Not observed at significant frequency in large population cohorts (gnomAD); In silico analysis indicates that this missense variant does not alter protein structure/function; Has not been previously published as pathogenic or benign to our knowledge